The following is an entry in ClinVar:

ClinVar aggregate classification (germline): Pathogenic. Review status: criteria provided, single submitter (1 of 4 stars). 2 submissions from 2 submitters: Pathogenic (1). 1 of the submissions does not count toward it. Last evaluated 2018-01-26.

Conditions:
MULTIPLE ENDOCRINE NEOPLASIA, TYPE V (MEN5). Identifiers: MedGen CN382240, OMIM 621678.
Hereditary cancer-predisposing syndrome. Also called: Neoplastic Syndromes, Hereditary; Tumor predisposition; Hereditary Cancer Syndrome; Hereditary neoplastic syndrome. Identifiers: Orphanet 140162, MedGen C0027672, MeSH D009386, MONDO:0015356.

Submissions (2):

Academic Department of Medical Genetics, University of Cambridge
Classification: Pathogenic for Hereditary cancer-predisposing syndrome. Last evaluated: 2018-01-26. Review status: criteria provided, single submitter. Criteria: ACMG Guidelines, 2015. Collection method: research. Allele origin: germline. Affected: yes. Observed: 1 heterozygote.
Comment: Application of AMCG guidelines 2015. Used other ClinVar submission evidence where relevant. Loss of heterozygosity in tumours or immunohistochemistry abnormalities considered functional evidence of pathogenicity.

Identified as part of research study of individuals with multiple primary tumours referred for genetic assessment

OMIM
Classification: Pathogenic for MULTIPLE ENDOCRINE NEOPLASIA, TYPE V. Last evaluated: 2011-06-19. Review status: no assertion criteria provided. Collection method: literature only. Allele origin: germline. Not counted in ClinVar's aggregate classification.

Literature cited by the submitters: PubMed 21685915 (cited by OMIM).

NM_002382.5(MAX):c.1A>G (p.Met1Val)

Genes: MAX (MYC associated transcriptional regulator X; minus strand), LOC130055850 (ATAC-STARR-seq lymphoblastoid silent region 5847; plus strand). Cytogenetic location: 14q23.3.
Variant type: single nucleotide variant.
Coding change: c.1A>G on transcript NM_002382.5 (MANE Select); coding-DNA position 1, A replaced by G.
Protein change: p.Met1Val; changes the start codon (methionine 1).
Molecular consequence: missense variant, initiator codon variant. On other transcripts: 5 prime UTR variant (1).
Genome position (GRCh38, 1-based): chr14:65,102,339, T>C on the plus strand (A>G on the coding strand, the complement: MAX is on the minus strand). VCF-style: chr14-65102339-T-C. GRCh37 (hg19) VCF-style: chr14-65569057-T-C.
Other names: c.1A>G, p.Met1Val (NM_001271068.2, NM_001271069.2, NM_145112.3 and 3 more transcripts); c.-274A>G (NM_001320415.2); short protein forms M1V.
Identifiers: ClinVar variation 29785 (VCV000029785.4), dbSNP rs387906649, ClinGen allele CA128636.